The following is an entry in ClinVar:

ClinVar aggregate classification (germline): Benign. Review status: criteria provided, multiple submitters, no conflicts (2 of 4 stars). 7 submissions from 7 submitters: Benign (4). 3 of the submissions do not count toward it. Last evaluated 2025-07-01.

Allele frequency attached by ClinVar (database versions not stated): 1000 Genomes Project 0.01338; ESP Exome Variant Server 0.01369; TOPMed 0.01386; gnomAD exomes 0.00109 and 0.00310; 1000 Genomes Project 30x 0.01296; ExAC 0.00397; gnomAD 0.01245 and 0.01336.
gnomAD v4.1: 3,587 of 1,612,066 alleles (0.22%); highest among the groups gnomAD compares: African/African-American, 4.2%; 77 homozygotes.

Submissions (7):

ARUP Laboratories, Molecular Genetics and Genomics, ARUP Laboratories
Classification: Benign. Last evaluated: 2025-07-01. Review status: criteria provided, single submitter. Criteria: ARUP Molecular Germline Variant Investigation Process 2024. Collection method: clinical testing. Allele origin: germline.

GeneDx
Classification: Benign. Last evaluated: 2014-02-12. Review status: criteria provided, single submitter. Criteria: GeneDx Variant Classification (06012015). Collection method: clinical testing. Allele origin: germline. Affected: yes.
Comment: This variant is considered likely benign or benign based on one or more of the following criteria: it is a conservative change, it occurs at a poorly conserved position in the protein, it is predicted to be benign by multiple in silico algorithms, and/or has population frequency not consistent with disease.

Laboratory for Molecular Medicine, Mass General Brigham Personalized Medicine
Classification: Benign. Last evaluated: 2012-04-11. Review status: criteria provided, single submitter. Criteria: LMM Criteria. Collection method: clinical testing. Allele origin: germline. Observed: 18 variant alleles.
Comment: Ser4536Ser in exon 45A of TTN: This variant is not expected to have clinical sig nificance because it does not alter an amino acid residue and has been identifie d in 3.9% (146/3736) of African American chromosomes from a broad population by the NHLBI Exome Sequencing Project (dbSNP rs72 648905).

Breakthrough Genomics
Classification: Benign. Review status: criteria provided, single submitter. Criteria: ACMG Guidelines, 2015. Collection method: not provided. Allele origin: germline. Inheritance: Autosomal recessive inheritance. Affected: yes.

Clinical Genetics, Academic Medical Center
Classification: Benign. Review status: no assertion criteria provided. Collection method: clinical testing. Allele origin: germline. Affected: yes. Study: VKGL Data-share Consensus. Not counted in ClinVar's aggregate classification.

Diagnostic Laboratory, Department of Genetics, University Medical Center Groningen
Classification: Likely benign. Review status: no assertion criteria provided. Collection method: clinical testing. Allele origin: germline. Affected: yes. Study: VKGL Data-share Consensus. Not counted in ClinVar's aggregate classification.

Laboratory of Diagnostic Genome Analysis, Leiden University Medical Center (LUMC)
Classification: Likely benign. Review status: no assertion criteria provided. Collection method: clinical testing. Allele origin: germline. Affected: yes. Study: VKGL Data-share Consensus. Not counted in ClinVar's aggregate classification.

NM_133379.5(TTN):c.13608C>T (p.Ser4536=)

Gene: TTN (titin; minus strand). Cytogenetic location: 2q31.2.
Variant type: single nucleotide variant.
Coding change: c.13608C>T on transcript NM_133379.5; coding-DNA position 13608, C replaced by T.
Protein change: p.Ser4536=; no amino-acid change (serine 4536 retained).
Molecular consequence: synonymous variant. On other transcripts: intron variant (6).
Genome position (GRCh38, 1-based): chr2:178,748,792, G>A on the plus strand (C>T on the coding strand, the complement: TTN is on the minus strand). VCF-style: chr2-178748792-G-A. GRCh37 (hg19) VCF-style: chr2-179613519-G-A.
Other names: p.S4536S:TCC>TCT; c.10360+4332C>T (NM_001256850.1, NM_133378.4); c.10222+4332C>T (NM_003319.4); c.10798+4332C>T (NM_133437.4); c.10597+4332C>T (NM_133432.3); c.11311+4332C>T (NM_001267550.2).
Identifiers: ClinVar variation 47758 (VCV000047758.14), dbSNP rs72648905, ClinGen allele CA284461.